The following is an entry in ClinVar:

ClinVar aggregate classification (germline): Uncertain significance (1 of 4 stars; one submission).

Submission:

GeneDx
Classification: Uncertain significance. Last evaluated: 2026-03-04. Review status: criteria provided, single submitter. Criteria: GeneDx Variant Classification Process June 2021. Collection method: clinical testing. Allele origin: germline.
Comment: Not observed at significant frequency in large population cohorts (gnomAD); In silico analysis supports that this missense variant has a deleterious effect on protein structure/function; Has not been previously published as pathogenic or benign to our knowledge

NM_013450.4(BAZ2B):c.2977A>G (p.Arg993Gly)

Gene: BAZ2B (bromodomain adjacent to zinc finger domain 2B; minus strand). Cytogenetic location: 2q24.2.
Variant type: single nucleotide variant.
Coding change: c.2977A>G on transcript NM_013450.4 (MANE Select); coding-DNA position 2977, A replaced by G.
Protein change: p.Arg993Gly; replaces arginine 993 with glycine.
Molecular consequence: missense variant.
Genome position (GRCh38, 1-based): chr2:159,397,377, T>C on the plus strand (A>G on the coding strand, the complement: BAZ2B is on the minus strand). VCF-style: chr2-159397377-T-C. GRCh37 (hg19) VCF-style: chr2-160253888-T-C.
Other names: c.2869A>G, p.Arg957Gly (NM_001289975.1); c.2788A>G, p.Arg930Gly (NM_001329857.2); c.2875A>G, p.Arg959Gly (NM_001329858.2); short protein forms R993G, R957G, R959G, R930G.
Identifiers: ClinVar variation 5008563 (VCV005008563.1).
Genomic context (GRCh38, chr2:159,397,377, plus strand): 5'-ACAATTGTATAACTATACATATACAGACCTGATGTTTCAGAAGAACAGCTTGTTGTCTTC[T>C]CATTTCTTTTTCCTTAAAAATAAGAAACTTTTAATACGTGATTTTTAGAGAAGATTTAGA-3'
Protein context (NP_038478.2, residues 983-1003): AEKRIKEKEM[Arg993Gly]RQQAVLLKHQ